The following is an entry in ClinVar:

NM_020919.4(ALS2):c.3194A>C (p.Lys1065Thr)

Gene: ALS2 (alsin Rho guanine nucleotide exchange factor ALS2; minus strand). Cytogenetic location: 2q33.1.
Variant type: single nucleotide variant.
Coding change: c.3194A>C on transcript NM_020919.4 (MANE Select); coding-DNA position 3194, A replaced by C.
Protein change: p.Lys1065Thr; replaces lysine 1065 with threonine.
Molecular consequence: missense variant.
Genome position (GRCh38, 1-based): chr2:201,726,538, T>G on the plus strand (A>C on the coding strand, the complement: ALS2 is on the minus strand). VCF-style: chr2-201726538-T-G. GRCh37 (hg19) VCF-style: chr2-202591261-T-G.
Other names: c.3194A>C, p.Lys1065Thr (NM_001410975.1); short protein forms K1065T.
Identifiers: ClinVar variation 2808754 (VCV002808754.3), dbSNP rs2469773307, ClinGen allele CA350320742.

ClinVar aggregate classification (germline): Uncertain significance (1 of 4 stars; one submission).

Conditions:
Infantile-onset ascending hereditary spastic paralysis (IAHSP). Also called: Infantile-Onset Ascending Hereditary Spastic Paralysis (IAHSP); Autosomal Recessive Juvenile Amyotrophic Lateral Sclerosis. Identifiers: Orphanet 293168, MedGen C2931441, MONDO:0011797, OMIM 607225. Disease mechanism: loss of function.

Submission:

Labcorp Genetics (formerly Invitae), Labcorp
Classification: Uncertain significance for Infantile-onset ascending hereditary spastic paralysis. Last evaluated: 2024-06-03. Review status: criteria provided, single submitter. Criteria: Invitae Variant Classification Sherloc (09022015). Collection method: clinical testing. Allele origin: germline.
Comment: This sequence change replaces lysine, which is basic and polar, with threonine, which is neutral and polar, at codon 1065 of the ALS2 protein (p.Lys1065Thr). This variant is not present in population databases (gnomAD no frequency). This variant has not been reported in the literature in individuals affected with ALS2-related conditions. Advanced modeling of protein sequence and biophysical properties (such as structural, functional, and spatial information, amino acid conservation, physicochemical variation, residue mobility, and thermodynamic stability) performed at Invitae indicates that this missense variant is not expected to disrupt ALS2 protein function with a negative predictive value of 80%. In summary, the available evidence is currently insufficient to determine the role of this variant in disease. Therefore, it has been classified as a Variant of Uncertain Significance.